The following is an entry in ClinVar:

NM_000214.3(JAG1):c.666A>C (p.Glu222Asp)

Gene: JAG1 (jagged canonical Notch ligand 1; minus strand). Cytogenetic location: 20p12.2.
Variant type: single nucleotide variant.
Coding change: c.666A>C on transcript NM_000214.3 (MANE Select); coding-DNA position 666, A replaced by C.
Protein change: p.Glu222Asp; replaces glutamic acid 222 with aspartic acid.
Molecular consequence: missense variant.
Genome position (GRCh38, 1-based): chr20:10,658,496, T>G on the plus strand (A>C on the coding strand, the complement: JAG1 is on the minus strand). VCF-style: chr20-10658496-T-G. GRCh37 (hg19) VCF-style: chr20-10639144-T-G.
Other names: short protein forms E222D.
Identifiers: ClinVar variation 3347665 (VCV003347665.2).

ClinVar aggregate classification (germline): Uncertain significance (1 of 4 stars; one submission).

Conditions:
JAG1-related disorder. Also called: JAG1-related condition; JAG1-related disorders.

Submission:

PreventionGenetics, part of Exact Sciences
Classification: Uncertain significance for JAG1-related condition. Last evaluated: 2026-02-12. Review status: criteria provided, single submitter. Criteria: ACMG Guidelines, 2015. Collection method: clinical testing. Allele origin: germline.
Comment: The JAG1 c.666A>C variant is predicted to result in the amino acid substitution p.Glu222Asp. To our knowledge, this variant has not been reported in the literature in individuals with JAG1-related disease. This variant has not been reported in a large population database (gnomAD), indicating this variant is rare. Statistical evidence in gnomAD suggests the JAG gene is intolerant of missense variation. At this time, the clinical significance of this variant is uncertain due to the absence of conclusive functional and genetic evidence.